The following is an entry in ClinVar:

NM_032656.4(DHX37):c.3223C>T (p.Arg1075Cys)

Gene: DHX37 (DEAH-box helicase 37; minus strand). Cytogenetic location: 12q24.31.
Variant type: single nucleotide variant.
Coding change: c.3223C>T on transcript NM_032656.4 (MANE Select); coding-DNA position 3223, C replaced by T.
Protein change: p.Arg1075Cys; replaces arginine 1075 with cysteine.
Molecular consequence: missense variant.
Genome position (GRCh38, 1-based): chr12:124,950,053, G>A on the plus strand (C>T on the coding strand, the complement: DHX37 is on the minus strand). VCF-style: chr12-124950053-G-A. GRCh37 (hg19) VCF-style: chr12-125434599-G-A.
Other names: c.3223C>T (NM_032656.3); short protein forms R1075C.
Identifiers: ClinVar variation 2110383 (VCV002110383.6), dbSNP rs770357189, ClinGen allele CA6871295.

ClinVar aggregate classification (germline): Uncertain significance. Review status: criteria provided, multiple submitters, no conflicts (2 of 4 stars). 2 submissions from 2 submitters: Uncertain significance (2). Last evaluated 2024-12-16.

Conditions:
Inborn genetic diseases. Identifiers: MedGen C0950123, MeSH D030342.

Allele frequency attached by ClinVar (database versions not stated): gnomAD 0.00001; gnomAD exomes 0.00001; ExAC 0.00002.

Submissions (2):

Labcorp Genetics (formerly Invitae), Labcorp
Classification: Uncertain significance. Last evaluated: 2024-12-16. Review status: criteria provided, single submitter. Criteria: Invitae Variant Classification Sherloc (09022015). Collection method: clinical testing. Allele origin: germline.
Comment: This sequence change replaces arginine, which is basic and polar, with cysteine, which is neutral and slightly polar, at codon 1075 of the DHX37 protein (p.Arg1075Cys). This variant is present in population databases (rs770357189, gnomAD 0.007%). This variant has not been reported in the literature in individuals affected with DHX37-related conditions. ClinVar contains an entry for this variant (Variation ID: 2110383). An algorithm developed to predict the effect of missense changes on protein structure and function outputs the following: PolyPhen-2: "Benign". The cysteine amino acid residue is found in multiple mammalian species, which suggests that this missense change does not adversely affect protein function. In summary, the available evidence is currently insufficient to determine the role of this variant in disease. Therefore, it has been classified as a Variant of Uncertain Significance.

Ambry Genetics
Classification: Uncertain significance for Inborn genetic diseases. Last evaluated: 2023-07-12. Review status: criteria provided, single submitter. Criteria: Ambry Variant Classification Scheme 2023. Collection method: clinical testing. Allele origin: germline.